The following is an entry in ClinVar:

ClinVar aggregate classification (germline): Uncertain significance (1 of 4 stars; one submission).

Conditions:
Acromesomelic dysplasia 1, Maroteaux type (AMD1). Also called: ST. HELENA DYSPLASIA; ACROMESOMELIC DYSPLASIA 1. Identifiers: Orphanet 40, MedGen C1864356, MONDO:0011275, OMIM 602875.
Tall stature-scoliosis-macrodactyly of the great toes syndrome. Also called: Epiphyseal chondrodysplasia, miura type. Identifiers: Orphanet 329191, MedGen C4014690, MONDO:0014401, OMIM 615923.

Allele frequency attached by ClinVar (database versions not stated): gnomAD exomes below 0.00001; ExAC 0.00001; gnomAD 0.00001; 1000 Genomes Project 0.00020; 1000 Genomes Project 30x 0.00016.
gnomAD v4.1: 1 of 1,614,062 alleles (0.000062%); highest among the groups gnomAD compares: East Asian, 0.0022%; no homozygotes.

Submission:

Labcorp Genetics (formerly Invitae), Labcorp
Classification: Uncertain significance for Tall stature-scoliosis-macrodactyly of the great toes syndrome; Acromesomelic dysplasia 1, Maroteaux type. Last evaluated: 2023-05-22. Review status: criteria provided, single submitter. Criteria: Invitae Variant Classification Sherloc (09022015). Collection method: clinical testing. Allele origin: germline.
Comment: This sequence change replaces threonine, which is neutral and polar, with serine, which is neutral and polar, at codon 962 of the NPR2 protein (p.Thr962Ser). In summary, the available evidence is currently insufficient to determine the role of this variant in disease. Therefore, it has been classified as a Variant of Uncertain Significance. Advanced modeling of protein sequence and biophysical properties (such as structural, functional, and spatial information, amino acid conservation, physicochemical variation, residue mobility, and thermodynamic stability) performed at Invitae indicates that this missense variant is not expected to disrupt NPR2 protein function. ClinVar contains an entry for this variant (Variation ID: 1352843). This variant has not been reported in the literature in individuals affected with NPR2-related conditions. This variant is present in population databases (rs201806512, gnomAD 0.006%).

NM_003995.4(NPR2):c.2885C>G (p.Thr962Ser)

Genes: NPR2 (natriuretic peptide receptor 2; plus strand), SPAG8 (sperm associated antigen 8; minus strand). Cytogenetic location: 9p13.3.
Variant type: single nucleotide variant.
Coding change: c.2885C>G on transcript NM_003995.4 (MANE Select); coding-DNA position 2885, C replaced by G.
Protein change: p.Thr962Ser; replaces threonine 962 with serine.
Molecular consequence: missense variant. On other transcripts: intron variant (2).
Genome position (GRCh38, 1-based): chr9:35,808,681, C>G. VCF-style: chr9-35808681-C-G. GRCh37 (hg19) VCF-style: chr9-35808678-C-G.
Other names: c.2894C>G, p.Thr965Ser (NM_001378923.1); c.1201-375G>C (NM_001366760.2); c.1373-375G>C (NM_172312.2); short protein forms T962S, T965S.
Identifiers: ClinVar variation 1352843 (VCV001352843.7), dbSNP rs201806512, ClinGen allele CA5052143.